The following is an entry in ClinVar:

ClinVar aggregate classification (germline): Uncertain significance (1 of 4 stars; one submission).

gnomAD v4.1: 3 of 1,614,108 alleles (0.00019%); highest among the groups gnomAD compares: South Asian, 0.0011%; no homozygotes.

Submission:

CeGaT Center for Human Genetics Tuebingen
Classification: Uncertain significance. Last evaluated: 2022-12-01. Review status: criteria provided, single submitter. Criteria: CeGaT Center For Human Genetics Tuebingen Variant Classification Criteria Version 2. Collection method: clinical testing. Allele origin: germline. Affected: yes. Observed: 1 variant allele.
Comment: ARID1B: PM2, BP4

NM_001374828.1(ARID1B):c.5659G>T (p.Ala1887Ser)

Gene: ARID1B (AT-rich interaction domain 1B; plus strand). Cytogenetic location: 6q25.3.
Variant type: single nucleotide variant.
Coding change: c.5659G>T on transcript NM_001374828.1 (MANE Select); coding-DNA position 5659, G replaced by T.
Protein change: p.Ala1887Ser; replaces alanine 1887 with serine.
Molecular consequence: missense variant.
Genome position (GRCh38, 1-based): chr6:157,206,431, G>T. VCF-style: chr6-157206431-G-T. GRCh37 (hg19) VCF-style: chr6-157527565-G-T.
Other names: c.5410G>T, p.Ala1804Ser (NM_001346813.1); c.3160G>T, p.Ala1054Ser (NM_001363725.2); c.5539G>T, p.Ala1847Ser (NM_001371656.1, NM_001374820.1); c.5500G>T, p.Ala1834Ser (NM_017519.3); c.5290G>T, p.Ala1764Ser (NM_020732.3); c.5077G>T, p.Ala1693Ser (NM_175863.2); short protein forms A1054S, A1693S, A1764S, A1804S, A1834S, A1847S, A1887S.
Identifiers: ClinVar variation 2657069 (VCV002657069.24), dbSNP rs1280712992, ClinGen allele CA366246408.